The following is an entry in ClinVar:

ClinVar aggregate classification (germline): Uncertain significance (1 of 4 stars; one submission).

Submission:

Labcorp Genetics (formerly Invitae), Labcorp
Classification: Uncertain significance. Last evaluated: 2023-02-14. Review status: criteria provided, single submitter. Criteria: Invitae Variant Classification Sherloc (09022015). Collection method: clinical testing. Allele origin: germline.
Comment: This sequence change replaces tryptophan, which is neutral and slightly polar, with arginine, which is basic and polar, at codon 1605 of the C3 protein (p.Trp1605Arg). This variant is not present in population databases (gnomAD no frequency). This variant has not been reported in the literature in individuals affected with C3-related conditions. Advanced modeling of protein sequence and biophysical properties (such as structural, functional, and spatial information, amino acid conservation, physicochemical variation, residue mobility, and thermodynamic stability) performed at Invitae indicates that this missense variant is expected to disrupt C3 protein function. In summary, the available evidence is currently insufficient to determine the role of this variant in disease. Therefore, it has been classified as a Variant of Uncertain Significance.

NM_000064.4(C3):c.4813T>C (p.Trp1605Arg)

Gene: C3 (complement C3; minus strand). Cytogenetic location: 19p13.3.
Variant type: single nucleotide variant.
Coding change: c.4813T>C on transcript NM_000064.4 (MANE Select); coding-DNA position 4813, T replaced by C.
Protein change: p.Trp1605Arg; replaces tryptophan 1605 with arginine.
Molecular consequence: missense variant.
Genome position (GRCh38, 1-based): chr19:6,678,189, A>G on the plus strand (T>C on the coding strand, the complement: C3 is on the minus strand). VCF-style: chr19-6678189-A-G. GRCh37 (hg19) VCF-style: chr19-6678200-A-G.
Other names: short protein forms W1605R.
Identifiers: ClinVar variation 2793323 (VCV002793323.3), dbSNP rs2512224651, ClinGen allele CA403610922.